The following is an entry in ClinVar:

NM_182919.4(TICAM1):c.729C>T (p.Val243=)

Gene: TICAM1 (TIR domain containing adaptor molecule 1; minus strand). Cytogenetic location: 19p13.3.
Variant type: single nucleotide variant.
Coding change: c.729C>T on transcript NM_182919.4 (MANE Select); coding-DNA position 729, C replaced by T.
Protein change: p.Val243=; no amino-acid change (valine 243 retained).
Molecular consequence: synonymous variant.
Genome position (GRCh38, 1-based): chr19:4,817,649, G>A on the plus strand (C>T on the coding strand, the complement: TICAM1 is on the minus strand). VCF-style: chr19-4817649-G-A. GRCh37 (hg19) VCF-style: chr19-4817661-G-A.
Other names: c.687C>T, p.Val229= (NM_001385678.1); c.594C>T, p.Val198= (NM_001385679.1); c.87C>T, p.Val29= (NM_001385680.1).
Identifiers: ClinVar variation 3032253 (VCV003032253.4), dbSNP rs2512399410, ClinGen allele CA505175239.

ClinVar aggregate classification (germline): Likely benign. Review status: criteria provided, single submitter (1 of 4 stars). 2 submissions from 2 submitters: Likely benign (1). 1 of the submissions does not count toward it. Last evaluated 2024-04-15.

Conditions:
Encephalopathy, acute, infection-induced (herpes-specific), susceptibility to, 6. Also called: Herpes simplex encephalitis, susceptibility to, 4. Identifiers: Orphanet 1930, MedGen C3553869, MONDO:0013921, OMIM 614850.
TICAM1-related disorder. Also called: TICAM1-related condition.

Allele frequency attached by ClinVar (database versions not stated): gnomAD exomes below 0.00001.
gnomAD v4.1: 1 of 1,583,660 alleles (0.000063%); highest among the groups gnomAD compares: Non-Finnish European, 0.000086%; no homozygotes.

Submissions (2):

Labcorp Genetics (formerly Invitae), Labcorp
Classification: Likely benign for Encephalopathy, acute, infection-induced (herpes-specific), susceptibility to, 6. Last evaluated: 2024-04-15. Review status: criteria provided, single submitter. Criteria: Invitae Variant Classification Sherloc (09022015). Collection method: clinical testing. Allele origin: germline.

PreventionGenetics, part of Exact Sciences
Classification: Likely benign for TICAM1-related condition. Last evaluated: 2023-10-20. Review status: no assertion criteria provided. Collection method: clinical testing. Allele origin: germline. Not counted in ClinVar's aggregate classification.
Comment: This variant is classified as likely benign based on ACMG/AMP sequence variant interpretation guidelines (Richards et al. 2015 PMID: 25741868, with internal and published modifications).